The following is an entry in ClinVar:

NM_001144967.3(NEDD4L):c.682G>A (p.Asp228Asn)

Gene: NEDD4L (NEDD4 like E3 ubiquitin protein ligase; plus strand). Cytogenetic location: 18q21.31.
Variant type: single nucleotide variant.
Coding change: c.682G>A on transcript NM_001144967.3 (MANE Select); coding-DNA position 682, G replaced by A.
Protein change: p.Asp228Asn; replaces aspartic acid 228 with asparagine.
Molecular consequence: missense variant.
Genome position (GRCh38, 1-based): chr18:58,328,996, G>A. VCF-style: chr18-58328996-G-A. GRCh37 (hg19) VCF-style: chr18-55996228-G-A.
Other names: c.319G>A, p.Asp107Asn (NM_001144964.1, NM_001144965.2, NM_001144966.3 and 2 more transcripts); c.658G>A, p.Asp220Asn (NM_001144968.2, NM_001144969.2); c.682G>A, p.Asp228Asn (NM_001243960.2, NM_015277.6); c.682G>A (NM_015277.5); short protein forms D228N, D220N, D107N.
Identifiers: ClinVar variation 2159531 (VCV002159531.5), dbSNP rs987266983, ClinGen allele CA300912940.

ClinVar aggregate classification (germline): Uncertain significance. Review status: criteria provided, multiple submitters, no conflicts (2 of 4 stars). 3 submissions from 3 submitters: Uncertain significance (3). Last evaluated 2026-05-28.

Conditions:
Inborn genetic diseases. Identifiers: MedGen C0950123, MeSH D030342.

Allele frequency attached by ClinVar (database versions not stated): gnomAD 0.00003; TOPMed 0.00002.

Submissions (3):

Women's Health and Genetics/Laboratory Corporation of America, LabCorp
Classification: Uncertain significance. Last evaluated: 2026-05-28. Review status: criteria provided, single submitter. Criteria: LabCorp Variant Classification Summary - May 2015. Collection method: clinical testing. Allele origin: germline.
Comment: Variant summary: NEDD4L c.682G>A (p.Asp228Asn) results in a conservative amino acid change in the encoded protein sequence. Algorithms developed to predict the effect of missense changes on protein structure and function are either unavailable or do not agree on the potential impact of this missense change. Consensus agreement among computation tools predict no significant impact on normal splicing. However, these predictions have yet to be confirmed by functional studies. The variant allele was found at a frequency of 8e-06 in 249106 control chromosomes. The available data on variant occurrences in the general population are insufficient to allow any conclusion about variant significance. To our knowledge, no occurrence of c.682G>A in individuals affected with NEDD4L-related conditions and no experimental evidence demonstrating its impact on protein function have been reported. ClinVar contains an entry for this variant (Variation ID: 2159531). Based on the evidence outlined above, the variant was classified as uncertain significance.

Ambry Genetics
Classification: Uncertain significance for Inborn genetic diseases. Last evaluated: 2025-04-01. Review status: criteria provided, single submitter. Criteria: Ambry Variant Classification Scheme 2023. Collection method: clinical testing. Allele origin: germline.

Labcorp Genetics (formerly Invitae), Labcorp
Classification: Uncertain significance. Last evaluated: 2022-06-20. Review status: criteria provided, single submitter. Criteria: Invitae Variant Classification Sherloc (09022015). Collection method: clinical testing. Allele origin: germline.
Comment: In summary, the available evidence is currently insufficient to determine the role of this variant in disease. Therefore, it has been classified as a Variant of Uncertain Significance. Algorithms developed to predict the effect of missense changes on protein structure and function (SIFT, PolyPhen-2, Align-GVGD) all suggest that this variant is likely to be tolerated. This variant has not been reported in the literature in individuals affected with NEDD4L-related conditions. This variant is present in population databases (no rsID available, gnomAD 0.002%). This sequence change replaces aspartic acid, which is acidic and polar, with asparagine, which is neutral and polar, at codon 228 of the NEDD4L protein (p.Asp228Asn).